The following is an entry in ClinVar:

ClinVar aggregate classification (germline): Uncertain significance (1 of 4 stars; one submission).

Submission:

Ambry Genetics
Classification: Uncertain significance. Last evaluated: 2025-03-18. Review status: criteria provided, single submitter. Criteria: Ambry Variant Classification Scheme 2023. Collection method: clinical testing. Allele origin: germline.
Comment: The p.L7F variant (also known as c.19C>T), located in coding exon 1 of the PDLIM3 gene, results from a C to T substitution at nucleotide position 19. The leucine at codon 7 is replaced by phenylalanine, an amino acid with highly similar properties. This amino acid position is conserved. In addition, this alteration is predicted to be tolerated by in silico analysis. Based on the available evidence, the clinical significance of this variant remains unclear.

NM_014476.6(PDLIM3):c.19C>T (p.Leu7Phe)

Gene: PDLIM3 (PDZ and LIM domain 3; minus strand). Cytogenetic location: 4q35.1.
Variant type: single nucleotide variant.
Coding change: c.19C>T on transcript NM_014476.6 (MANE Select); coding-DNA position 19, C replaced by T.
Protein change: p.Leu7Phe; replaces leucine 7 with phenylalanine.
Molecular consequence: missense variant. On other transcripts: non-coding transcript variant (1).
Genome position (GRCh38, 1-based): chr4:185,535,416, G>A on the plus strand (C>T on the coding strand, the complement: PDLIM3 is on the minus strand). VCF-style: chr4-185535416-G-A. GRCh37 (hg19) VCF-style: chr4-186456570-G-A.
Other names: c.19C>T, p.Leu7Phe (NM_001114107.5, NM_001257962.2, NM_001257963.2); short protein forms L7F.
Identifiers: ClinVar variation 3930383 (VCV003930383.1).